The following is an entry in ClinVar:

ClinVar aggregate classification (germline): Uncertain significance. Review status: criteria provided, multiple submitters, no conflicts (2 of 4 stars). 3 submissions from 3 submitters: Uncertain significance (2). 1 of the submissions does not count toward it. Last evaluated 2025-05-21.

Conditions:
CDSN-related disorder. Also called: CDSN-related condition.
Inborn genetic diseases. Identifiers: MedGen C0950123, MeSH D030342.

gnomAD v4.1: 17 of 1,612,570 alleles (0.0011%); highest among the groups gnomAD compares: Admixed American, 0.027%; no homozygotes.

Submissions (3):

Ambry Genetics
Classification: Uncertain significance for Inborn genetic diseases. Last evaluated: 2025-05-21. Review status: criteria provided, single submitter. Criteria: Ambry Variant Classification Scheme 2023. Collection method: clinical testing. Allele origin: germline.

GeneDx
Classification: Uncertain significance. Last evaluated: 2024-12-17. Review status: criteria provided, single submitter. Criteria: GeneDx Variant Classification Process June 2021. Collection method: clinical testing. Allele origin: germline. Affected: yes.
Comment: Has not been previously published as pathogenic or benign to our knowledge; In silico analysis supports that this missense variant has a deleterious effect on protein structure/function

PreventionGenetics, part of Exact Sciences
Classification: Uncertain significance for CDSN-related condition. Last evaluated: 2024-03-18. Review status: no assertion criteria provided. Collection method: clinical testing. Allele origin: germline. Not counted in ClinVar's aggregate classification.
Comment: The CDSN c.1268G>C variant is predicted to result in the amino acid substitution p.Cys423Ser. To our knowledge, this variant has not been reported in the literature. This variant is reported in 0.015% of alleles in individuals of Latino descent in gnomAD. At this time, the clinical significance of this variant is uncertain due to the absence of conclusive functional and genetic evidence.

NM_001264.5(CDSN):c.1268G>C (p.Cys423Ser)

Genes: CDSN (corneodesmosin; minus strand), PSORS1C1 (psoriasis susceptibility 1 candidate 1; plus strand). Cytogenetic location: 6p21.33.
Variant type: single nucleotide variant.
Coding change: c.1268G>C on transcript NM_001264.5 (MANE Select); coding-DNA position 1268, G replaced by C.
Protein change: p.Cys423Ser; replaces cysteine 423 with serine.
Molecular consequence: missense variant. On other transcripts: intron variant (1).
Genome position (GRCh38, 1-based): chr6:31,116,347, C>G on the plus strand (G>C on the coding strand, the complement: CDSN is on the minus strand). VCF-style: chr6-31116347-C-G. GRCh37 (hg19) VCF-style: chr6-31084124-C-G.
Other names: c.-229+1456C>G (NM_014068.3); short protein forms C423S.
Identifiers: ClinVar variation 3350212 (VCV003350212.3).